The following is an entry in ClinVar:

NM_003151.4(STAT4):c.1522C>T (p.Arg508Cys)

Gene: STAT4 (signal transducer and activator of transcription 4; minus strand). Cytogenetic location: 2q32.2.
Variant type: single nucleotide variant.
Coding change: c.1522C>T on transcript NM_003151.4 (MANE Select); coding-DNA position 1522, C replaced by T.
Protein change: p.Arg508Cys; replaces arginine 508 with cysteine.
Molecular consequence: missense variant.
Genome position (GRCh38, 1-based): chr2:191,036,212, G>A on the plus strand (C>T on the coding strand, the complement: STAT4 is on the minus strand). VCF-style: chr2-191036212-G-A. GRCh37 (hg19) VCF-style: chr2-191900938-G-A.
Other names: c.1522C>T, p.Arg508Cys (NM_001243835.2); short protein forms R508C.
Identifiers: ClinVar variation 4698984 (VCV004698984.1).
Genomic context (GRCh38, chr2:191,036,212, plus strand): 5'-ACCAGCTCTCACCTGTAAGCTTCTCTGCCAGCATATGGAGTTGATCTGAGTTAAGACCAC[G>A]ACCAACGTACGATGAAAACTGCCAGCTCATCACCTCCAGTAGTTGACTCAATGTGGCAGG-3'
Protein context (NP_003142.1, residues 498-518): MSWQFSSYVG[Arg508Cys]GLNSDQLHML

ClinVar aggregate classification (germline): Uncertain significance (1 of 4 stars; one submission).

gnomAD v4.1: 5 of 1,614,098 alleles (0.00031%); highest among the groups gnomAD compares: South Asian, 0.0033%; no homozygotes.

Submission:

Labcorp Genetics (formerly Invitae), Labcorp
Classification: Uncertain significance. Last evaluated: 2025-09-03. Review status: criteria provided, single submitter. Criteria: Invitae Variant Classification Sherloc (09022015). Collection method: clinical testing. Allele origin: germline.
Comment: This sequence change replaces arginine, which is basic and polar, with cysteine, which is neutral and slightly polar, at codon 508 of the STAT4 protein (p.Arg508Cys). This variant is present in population databases (rs780829180, gnomAD 0.003%). This variant has not been reported in the literature in individuals affected with STAT4-related conditions. Invitae Evidence Modeling of protein sequence and biophysical properties (such as structural, functional, and spatial information, amino acid conservation, physicochemical variation, residue mobility, and thermodynamic stability) indicates that this missense variant is expected to disrupt STAT4 protein function with a positive predictive value of 80%. In summary, the available evidence is currently insufficient to determine the role of this variant in disease. Therefore, it has been classified as a Variant of Uncertain Significance.